The following is an entry in ClinVar:

ClinVar aggregate classification (germline): Uncertain significance (1 of 4 stars; one submission).

Conditions:
Hereditary cancer-predisposing syndrome. Also called: Hereditary neoplastic syndrome; Neoplastic Syndromes, Hereditary; Tumor predisposition; Hereditary Cancer Syndrome. Identifiers: Orphanet 140162, MedGen C0027672, MeSH D009386, MONDO:0015356.

Submission:

Ambry Genetics
Classification: Uncertain significance for Hereditary cancer-predisposing syndrome. Last evaluated: 2025-08-27. Review status: criteria provided, single submitter. Criteria: Ambry Variant Classification Scheme 2023. Collection method: clinical testing. Allele origin: germline.
Comment: The p.N147T variant (also known as c.440A>C), located in coding exon 5 of the MUTYH gene, results from an A to C substitution at nucleotide position 440. The asparagine at codon 147 is replaced by threonine, an amino acid with similar properties. This amino acid position is conserved. In addition, this alteration is predicted to be tolerated by in silico analysis. Based on the available evidence, the clinical significance of this variant remains unclear.

NM_001048174.2(MUTYH):c.356A>C (p.Asn119Thr)

Gene: MUTYH (mutY DNA glycosylase; minus strand). Cytogenetic location: 1p34.1.
Variant type: single nucleotide variant.
Coding change: c.356A>C on transcript NM_001048174.2 (MANE Select); coding-DNA position 356, A replaced by C.
Protein change: p.Asn119Thr; replaces asparagine 119 with threonine.
Molecular consequence: missense variant. On other transcripts: non-coding transcript variant (6), intron variant (3).
Genome position (GRCh38, 1-based): chr1:45,333,119, T>G on the plus strand (A>C on the coding strand, the complement: MUTYH is on the minus strand). VCF-style: chr1-45333119-T-G. GRCh37 (hg19) VCF-style: chr1-45798791-T-G.
Other names: c.356A>C, p.Asn119Thr (NM_001407089.1, NM_001048171.2, NM_001048173.2 and 6 more transcripts); c.80A>C, p.Asn27Thr (NM_001407091.1, NM_001293192.2, NM_001293196.2); c.431A>C, p.Asn144Thr (NM_012222.3, NM_001407069.1); c.34-160A>C (NM_001350651.2, NM_001350650.2, NM_001407082.1); c.359A>C, p.Asn120Thr (NM_001048172.2, NM_001407071.1, NM_001407078.1 and 2 more transcripts); c.440A>C, p.Asn147Thr (NM_001128425.2); c.401A>C, p.Asn134Thr (NM_001293190.2); c.389A>C, p.Asn130Thr (NM_001293191.2, NM_001407077.1); and 3 more; short protein forms N119T, N147T, N130T, N134T, N144T, N27T, N120T, N126T.
Identifiers: ClinVar variation 4113661 (VCV004113661.1).